The following is an entry in ClinVar:

ClinVar aggregate classification (germline): Conflicting classifications of pathogenicity. Review status: criteria provided, conflicting classifications (1 of 4 stars). 5 submissions from 5 submitters: Uncertain significance (4); Benign (1). Last evaluated 2025-11-17.

Conditions:
Basal cell nevus syndrome 1 (BCNS1). Also called: GORLIN-GOLTZ SYNDROME; MULTIPLE BASAL CELL NEVI, ODONTOGENIC KERATOCYSTS, AND SKELETAL ANOMALIES. Identifiers: MedGen CN376810, MONDO:0958174, OMIM 109400.
Hereditary cancer-predisposing syndrome. Also called: Neoplastic Syndromes, Hereditary; Hereditary Cancer Syndrome; Tumor predisposition; Hereditary neoplastic syndrome. Identifiers: Orphanet 140162, MedGen C0027672, MeSH D009386, MONDO:0015356.
Holoprosencephaly 7 (HPE7). Identifiers: Orphanet 2162, MedGen C1835820, MONDO:0012562, OMIM 610828.
Basal cell carcinoma, susceptibility to, 1. Also called: BCC1. Identifiers: MedGen C2751544, MONDO:0011556, OMIM 605462.
Gorlin syndrome. Also called: Nevoid Basal Cell Carcinoma Syndrome; Basal cell nevus syndrome. Identifiers: Orphanet 377, MedGen C0004779, MONDO:0007187.
PTCH1-related disorder. Also called: PTCH1-related disorders; PTCH1-related condition.

Allele frequency attached by ClinVar (database versions not stated): gnomAD exomes 0.00002; gnomAD 0.00004; TOPMed 0.00004; ExAC 0.00005.
gnomAD v4.1: 21 of 1,554,176 alleles (0.0014%); highest among the groups gnomAD compares: African/African-American, 0.0054%; no homozygotes.

Submissions (5):

Labcorp Genetics (formerly Invitae), Labcorp
Classification: Benign for Gorlin syndrome. Last evaluated: 2025-11-17. Review status: criteria provided, single submitter. Criteria: Invitae Variant Classification Sherloc (09022015). Collection method: clinical testing. Allele origin: germline.

PreventionGenetics, part of Exact Sciences
Classification: Uncertain significance for PTCH1-related condition. Last evaluated: 2025-07-15. Review status: criteria provided, single submitter. Criteria: ACMG Guidelines, 2015. Collection method: clinical testing. Allele origin: germline.
Comment: The PTCH1 c.3575G>A variant is predicted to result in the amino acid substitution p.Arg1192His. To our knowledge, this variant has not been reported in the literature. This variant is reported in 0.0057% of alleles in individuals of African descent in gnomAD. Different missense variants affecting residue 1192 (p.Arg1192Ser; p.Arg1192Cys; p.Arg1192Leu) have been reported in individuals with Kallmann syndrome, colorectal cancer, or ovarian cancer (Barraud et al. 2020. PubMed ID: 32074614; Raskin et al. 2017. PubMed ID: 29212164; Chan et al. 2018. PubMed ID: 30093976); however, causation was not established in any of these cases. At this time, the clinical significance of the c.3575G>A (p.Arg1192His) variant is uncertain due to the absence of conclusive functional and genetic evidence.

Institute for Genomic Medicine (IGM) Clinical Laboratory, Nationwide Children's Hospital
Classification: Uncertain significance for Basal cell nevus syndrome 1. Last evaluated: 2024-12-02. Review status: criteria provided, single submitter. Criteria: ACMG Guidelines, 2015. Collection method: clinical testing. Allele origin: germline.
Comment: This variant does not meet any ACMG/AMP criteria for pathogenicity or benignity. In accordance with ACMG/AMP guidelines, this variant is classified as a variant of uncertain significance.

Ambry Genetics
Classification: Uncertain significance for Hereditary cancer-predisposing syndrome. Last evaluated: 2024-04-13. Review status: criteria provided, single submitter. Criteria: Ambry Variant Classification Scheme 2023. Collection method: clinical testing. Allele origin: germline.
Comment: The p.R1192H variant (also known as c.3575G>A), located in coding exon 22 of the PTCH1 gene, results from a G to A substitution at nucleotide position 3575. The arginine at codon 1192 is replaced by histidine, an amino acid with highly similar properties. This amino acid position is well conserved in available vertebrate species. In addition, the in silico prediction for this alteration is inconclusive. Since supporting evidence is limited at this time, the clinical significance of this alteration remains unclear.

Fulgent Genetics
Classification: Uncertain significance for Basal cell nevus syndrome 1; Basal cell carcinoma, susceptibility to, 1; Holoprosencephaly 7. Last evaluated: 2018-10-31. Review status: criteria provided, single submitter. Criteria: ACMG Guidelines, 2015. Collection method: clinical testing. Allele origin: unknown.

NM_000264.5(PTCH1):c.3575G>A (p.Arg1192His)

Gene: PTCH1 (patched 1; minus strand). Cytogenetic location: 9q22.32.
Variant type: single nucleotide variant.
Coding change: c.3575G>A on transcript NM_000264.5 (MANE Select); coding-DNA position 3575, G replaced by A.
Protein change: p.Arg1192His; replaces arginine 1192 with histidine.
Molecular consequence: missense variant. On other transcripts: non-coding transcript variant (1).
Genome position (GRCh38, 1-based): chr9:95,449,298, C>T on the plus strand (G>A on the coding strand, the complement: PTCH1 is on the minus strand). VCF-style: chr9-95449298-C-T. GRCh37 (hg19) VCF-style: chr9-98211580-C-T.
Other names: c.3377G>A, p.Arg1126His (NM_001083602.3); c.3572G>A, p.Arg1191His (NM_001083603.3); c.3122G>A, p.Arg1041His (NM_001083604.3, NM_001083605.3, NM_001083606.3 and 1 more transcripts); c.3419G>A, p.Arg1140His (NM_001354918.2); short protein forms R1126H, R1192H, R1041H, R1140H, R1191H.
Identifiers: ClinVar variation 486183 (VCV000486183.20), dbSNP rs762040036, ClinGen allele CA5138105.